The following is an entry in ClinVar:

NM_002929.3(GRK1):c.1649G>A (p.Gly550Asp)

Gene: GRK1 (G protein-coupled receptor kinase 1; plus strand). Cytogenetic location: 13q34.
Variant type: single nucleotide variant.
Coding change: c.1649G>A on transcript NM_002929.3 (MANE Select); coding-DNA position 1649, G replaced by A.
Protein change: p.Gly550Asp; replaces glycine 550 with aspartic acid.
Molecular consequence: missense variant.
Genome position (GRCh38, 1-based): chr13:113,735,320, G>A. VCF-style: chr13-113735320-G-A. GRCh37 (hg19) VCF-style: chr13-114438293-G-A.
Other names: short protein forms G550D.
Identifiers: ClinVar variation 4885778 (VCV004885778.2).

ClinVar aggregate classification (germline): Uncertain significance (1 of 4 stars; one submission).

gnomAD v4.1: 2 of 1,527,564 alleles (0.00013%); highest among the groups gnomAD compares: Admixed American, 0.002%; no homozygotes.

Submission:

Dasa
Classification: Uncertain significance. Last evaluated: 2025-07-01. Review status: criteria provided, single submitter. Criteria: DASA Assertion Criteria. Collection method: clinical testing. Allele origin: germline.
Comment: NM_002929.3(GRK1):c.1649G>A (p.Gly550Asp) is a missense variant that results in the substitution of glycine with aspartic acid. This variant is rare in population databases. Computational prediction algorithms are consistent with a benign effect. The currently available literature and clinical evidence are not sufficient to establish a definitive association between this variant and the reported condition. Therefore, this variant is classified as a variant of uncertain significance.